The following is an entry in ClinVar:

NM_001903.5(CTNNA1):c.1148G>A (p.Arg383His)

Gene: CTNNA1 (catenin alpha 1; plus strand). Cytogenetic location: 5q31.2.
Variant type: single nucleotide variant.
Coding change: c.1148G>A on transcript NM_001903.5 (MANE Select); coding-DNA position 1148, G replaced by A.
Protein change: p.Arg383His; replaces arginine 383 with histidine.
Molecular consequence: missense variant. On other transcripts: 5 prime UTR variant (5), intron variant (2).
Genome position (GRCh38, 1-based): chr5:138,887,494, G>A. VCF-style: chr5-138887494-G-A. GRCh37 (hg19) VCF-style: chr5-138223183-G-A.
Other names: c.1148G>A, p.Arg383His (NM_001290307.3, NM_001323982.2, NM_001323983.1 and 3 more transcripts); c.839G>A, p.Arg280His (NM_001290309.3); c.779G>A, p.Arg260His (NM_001290310.3); c.38G>A, p.Arg13His (NM_001290312.1, NM_001323987.1, NM_001323988.1 and 18 more transcripts); c.-360G>A (NM_001324006.1, NM_001324007.1, NM_001324008.1 and 1 more transcripts); c.-235G>A (NM_001324013.1); c.-58+11897G>A (NM_001324012.1); c.-61+11897G>A (NM_001324010.1); short protein forms R13H, R383H, R260H, R280H.
Identifiers: ClinVar variation 846097 (VCV000846097.12), dbSNP rs780380304, ClinGen allele CA3431875.

ClinVar aggregate classification (germline): Uncertain significance. Review status: criteria provided, multiple submitters, no conflicts (2 of 4 stars). 3 submissions from 3 submitters: Uncertain significance (3). Last evaluated 2025-08-18.

Conditions:
Hereditary cancer-predisposing syndrome. Also called: Tumor predisposition; Hereditary neoplastic syndrome; Neoplastic Syndromes, Hereditary; Hereditary Cancer Syndrome. Identifiers: Orphanet 140162, MedGen C0027672, MeSH D009386, MONDO:0015356.

Allele frequency attached by ClinVar (database versions not stated): gnomAD exomes below 0.00001; ExAC 0.00001; gnomAD 0.00001; TOPMed 0.00001.

Submissions (3):

Ambry Genetics
Classification: Uncertain significance for Hereditary cancer-predisposing syndrome. Last evaluated: 2025-08-18. Review status: criteria provided, single submitter. Criteria: Ambry Variant Classification Scheme 2023. Collection method: clinical testing. Allele origin: germline.
Comment: The p.R383H variant (also known as c.1148G>A), located in coding exon 8 of the CTNNA1 gene, results from a G to A substitution at nucleotide position 1148. The arginine at codon 383 is replaced by histidine, an amino acid with highly similar properties. In one study, this alteration was identified in 1/151,425 individuals who underwent multi-gene germline genetic testing and classified as a variant of uncertain significance by the authors (Clark DF et al. Genet Med, 2020 May;22:840-846). This amino acid position is highly conserved in available vertebrate species. In addition, the in silico prediction for this alteration is inconclusive. Based on the available evidence, the clinical significance of this variant remains unclear.

GeneDx
Classification: Uncertain significance. Last evaluated: 2024-09-05. Review status: criteria provided, single submitter. Criteria: GeneDx Variant Classification Process June 2021. Collection method: clinical testing. Allele origin: germline. Affected: yes.
Comment: Not observed at significant frequency in large population cohorts (gnomAD); In silico analysis supports that this missense variant has a deleterious effect on protein structure/function; Observed in individual(s) referred for hereditary cancer multi-gene panel testing (PMID: 32051609); This variant is associated with the following publications: (PMID: 32051609, 28788102)

Labcorp Genetics (formerly Invitae), Labcorp
Classification: Uncertain significance. Last evaluated: 2024-02-29. Review status: criteria provided, single submitter. Criteria: Invitae Variant Classification Sherloc (09022015). Collection method: clinical testing. Allele origin: germline.
Comment: This sequence change replaces arginine, which is basic and polar, with histidine, which is basic and polar, at codon 383 of the CTNNA1 protein (p.Arg383His). This variant is not present in population databases (gnomAD no frequency). This variant has not been reported in the literature in individuals affected with CTNNA1-related conditions. ClinVar contains an entry for this variant (Variation ID: 846097). Advanced modeling of protein sequence and biophysical properties (such as structural, functional, and spatial information, amino acid conservation, physicochemical variation, residue mobility, and thermodynamic stability) performed at Invitae indicates that this missense variant is expected to disrupt CTNNA1 protein function with a positive predictive value of 80%. In summary, the available evidence is currently insufficient to determine the role of this variant in disease. Therefore, it has been classified as a Variant of Uncertain Significance.

Literature cited by the submitters: PubMed 32051609 (cited by Ambry Genetics).